The following is an entry in ClinVar:

NM_001330078.2(NRXN1):c.4473G>A (p.Ala1491=)

Gene: NRXN1 (neurexin 1; minus strand). Cytogenetic location: 2p16.3.
Variant type: single nucleotide variant.
Coding change: c.4473G>A on transcript NM_001330078.2 (MANE Select); coding-DNA position 4473, G replaced by A.
Protein change: p.Ala1491=; no amino-acid change (alanine 1491 retained).
Molecular consequence: synonymous variant.
Genome position (GRCh38, 1-based): chr2:49,921,995, C>T on the plus strand (G>A on the coding strand, the complement: NRXN1 is on the minus strand). VCF-style: chr2-49921995-C-T. GRCh37 (hg19) VCF-style: chr2-50149133-C-T.
Other names: p.A1531A:GCG>GCA; c.4593G>A, p.Ala1531= (NM_001135659.3); c.378G>A, p.Ala126= (NM_001320156.4); c.369G>A, p.Ala123= (NM_001320157.4); c.4449G>A, p.Ala1483= (NM_001330077.2); c.4440G>A, p.Ala1480= (NM_001330082.2); c.4308G>A, p.Ala1436= (NM_001330083.2); c.4407G>A, p.Ala1469= (NM_001330084.2); and 14 more.
Identifiers: ClinVar variation 138547 (VCV000138547.69), dbSNP rs113380721, ClinGen allele CA232549.
Genomic context (GRCh38, chr2:49,921,995, plus strand): 5'-ATCTTGGGATCAGACATAATACTCTTTATCCTTGTTTTTCTTATTTTTGTTGGAGCTTTT[C>T]GCACTGCTGGGTTGTTTCTCCTTTACAACAGCCCCATTGGACTGTGCTGAGTTACTGATG-3'
Protein context (NP_001317007.1, residues 1481-1501): AVVKEKQPSS[Ala1491=]KSSNKNKKNK

ClinVar aggregate classification (germline): Benign/Likely benign. Review status: criteria provided, multiple submitters, no conflicts (2 of 4 stars). 14 submissions from 14 submitters: Benign (2); Likely benign (7). 5 of the submissions do not count toward it. Last evaluated 2026-02-02.

Conditions:
History of neurodevelopmental disorder. Identifiers: MedGen C2711754.
Pitt-Hopkins-like syndrome 2 (PTHSL2). Identifiers: Orphanet 221150, Orphanet 600663, MedGen C3280479, MONDO:0013690, OMIM 614325.
NRXN1-related disorder.

Allele frequency attached by ClinVar (database versions not stated): 1000 Genomes Project 0.00060; 1000 Genomes Project 30x 0.00062; TOPMed 0.00128; gnomAD 0.00181 and 0.00191; ESP Exome Variant Server 0.00192; gnomAD exomes 0.00204 and 0.00279; ExAC 0.00211.
gnomAD v4.1: 4,255 of 1,614,056 alleles (0.26%); highest among the groups gnomAD compares: Non-Finnish European, 0.33%; 9 homozygotes.

Submissions (14):

Labcorp Genetics (formerly Invitae), Labcorp
Classification: Benign for Pitt-Hopkins-like syndrome 2. Last evaluated: 2026-02-02. Review status: criteria provided, single submitter. Criteria: Invitae Variant Classification Sherloc (09022015). Collection method: clinical testing. Allele origin: germline.

Blueprint Genetics
Classification: Likely benign. Last evaluated: 2024-11-20. Review status: criteria provided, single submitter. Criteria: ACMG Guidelines, 2015. Collection method: clinical testing. Allele origin: germline.

CeGaT Center for Human Genetics Tuebingen
Classification: Likely benign. Last evaluated: 2024-08-01. Review status: criteria provided, single submitter. Criteria: CeGaT Center For Human Genetics Tuebingen Variant Classification Criteria Version 2. Collection method: clinical testing. Allele origin: germline. Affected: yes. Observed: 12 variant alleles.
Comment: NRXN1: BP4, BP7

Illumina Laboratory Services, Illumina
Classification: Likely benign for Pitt-Hopkins-like syndrome 2. Last evaluated: 2018-01-12. Review status: criteria provided, single submitter. Criteria: ICSL Variant Classification Criteria 13 December 2019. Collection method: clinical testing. Allele origin: germline.
Comment: This variant was observed in the ICSL laboratory as part of a predisposition screen in an ostensibly healthy population. It had not been previously curated by ICSL or reported in the Human Gene Mutation Database (HGMD: prior to June 1st, 2018), and was therefore a candidate for classification through an automated scoring system. Utilizing variant allele frequency, disease prevalence and penetrance estimates, and inheritance mode, an automated score was calculated to assess if this variant is too frequent to cause the disease. Based on the score and internal cut-off values, a variant classified as likely benign is not then subjected to further curation. The score for this variant resulted in a classification of likely benign for this disease.

Eurofins Ntd Llc (ga)
Classification: Likely benign. Last evaluated: 2017-06-22. Review status: criteria provided, single submitter. Criteria: EGL Classification Definitions 2015. Collection method: clinical testing. Allele origin: germline. Observed: 1 variant allele, 1 heterozygote.

Ambry Genetics
Classification: Likely benign for History of neurodevelopmental disorder. Last evaluated: 2016-10-24. Review status: criteria provided, single submitter. Criteria: Ambry Autosomal Dominant and X-Linked criteria (10/2015). Collection method: clinical testing. Allele origin: germline. Observed: 1 variant allele.
Comment: Synonymous alterations with insufficient evidence to classify as benign

Genetic Services Laboratory, University of Chicago
Classification: Likely benign. Last evaluated: 2016-03-22. Review status: criteria provided, single submitter. Criteria: ACMG Guidelines, 2015. Collection method: clinical testing. Allele origin: germline. Affected: no.

GeneDx
Classification: Benign. Last evaluated: 2013-03-15. Review status: criteria provided, single submitter. Criteria: GeneDx Variant Classification (06012015). Collection method: clinical testing. Allele origin: germline. Affected: yes.
Comment: This variant is considered likely benign or benign based on one or more of the following criteria: it is a conservative change, it occurs at a poorly conserved position in the protein, it is predicted to be benign by multiple in silico algorithms, and/or has population frequency not consistent with disease.

Breakthrough Genomics
Classification: Likely benign. Review status: criteria provided, single submitter. Criteria: ACMG Guidelines, 2015. Collection method: not provided. Allele origin: germline. Inheritance: Autosomal recessive inheritance. Affected: yes.

PreventionGenetics, part of Exact Sciences
Classification: Likely benign for NRXN1-related condition. Last evaluated: 2020-04-21. Review status: no assertion criteria provided. Collection method: clinical testing. Allele origin: germline. Not counted in ClinVar's aggregate classification.
Comment: This variant is classified as likely benign based on ACMG/AMP sequence variant interpretation guidelines (Richards et al. 2015 PMID: 25741868, with internal and published modifications).

Clinical Genetics DNA and cytogenetics Diagnostics Lab, Erasmus MC, Erasmus Medical Center
Classification: Likely benign. Review status: no assertion criteria provided. Collection method: clinical testing. Allele origin: germline. Affected: yes. Study: VKGL Data-share Consensus. Not counted in ClinVar's aggregate classification.

Diagnostic Laboratory, Department of Genetics, University Medical Center Groningen
Classification: Likely benign. Review status: no assertion criteria provided. Collection method: clinical testing. Allele origin: germline. Affected: yes. Study: VKGL Data-share Consensus. Not counted in ClinVar's aggregate classification.

Genome Diagnostics Laboratory, University Medical Center Utrecht
Classification: Likely benign. Review status: no assertion criteria provided. Collection method: clinical testing. Allele origin: germline. Affected: yes. Study: VKGL Data-share Consensus. Not counted in ClinVar's aggregate classification.

Laboratory of Diagnostic Genome Analysis, Leiden University Medical Center (LUMC)
Classification: Likely benign. Review status: no assertion criteria provided. Collection method: clinical testing. Allele origin: germline. Affected: yes. Study: VKGL Data-share Consensus. Not counted in ClinVar's aggregate classification.

Literature cited by the submitters: PubMed 21288692 (cited by Ambry Genetics).